The following is an entry in ClinVar:

NM_001199862.2(KCNAB2):c.309G>A (p.Glu103=)

Gene: KCNAB2 (potassium voltage-gated channel subfamily A regulatory beta subunit 2; plus strand). Cytogenetic location: 1p36.31.
Variant type: single nucleotide variant.
Coding change: c.309G>A on transcript NM_001199862.2 (MANE Select); coding-DNA position 309, G replaced by A.
Protein change: p.Glu103=; no amino-acid change (glutamic acid 103 retained).
Molecular consequence: synonymous variant.
Genome position (GRCh38, 1-based): chr1:6,082,203, G>A. VCF-style: chr1-6082203-G-A. GRCh37 (hg19) VCF-style: chr1-6142263-G-A.
Other names: c.210G>A, p.Glu70= (NM_001199860.2, NM_001199861.2, NM_003636.4); c.9G>A, p.Glu3= (NM_001199863.2); c.168G>A, p.Glu56= (NM_172130.3).
Identifiers: ClinVar variation 3033243 (VCV003033243.2), dbSNP rs772137851, ClinGen allele CA555149.

ClinVar aggregate classification (germline): Likely benign (0 of 4 stars; one submission).

Conditions:
KCNAB2-related disorder. Also called: KCNAB2-related condition.

Allele frequency attached by ClinVar (database versions not stated): gnomAD exomes below 0.00001; ExAC 0.00001.
gnomAD v4.1: 1 of 1,613,720 alleles (0.000062%); highest among the groups gnomAD compares: Admixed American, 0.0017%; no homozygotes.

Submission:

PreventionGenetics, part of Exact Sciences
Classification: Likely benign for KCNAB2-related condition. Last evaluated: 2019-06-12. Review status: no assertion criteria provided. Collection method: clinical testing. Allele origin: germline.
Comment: This variant is classified as likely benign based on ACMG/AMP sequence variant interpretation guidelines (Richards et al. 2015 PMID: 25741868, with internal and published modifications).